The following is an entry in ClinVar:

NM_005956.4(MTHFD1):c.1844T>C (p.Met615Thr)

Gene: MTHFD1 (methylenetetrahydrofolate dehydrogenase, cyclohydrolase and formyltetrahydrofolate synthetase 1; plus strand). Cytogenetic location: 14q23.3.
Variant type: single nucleotide variant.
Coding change: c.1844T>C on transcript NM_005956.4 (MANE Select); coding-DNA position 1844, T replaced by C.
Protein change: p.Met615Thr; replaces methionine 615 with threonine.
Molecular consequence: missense variant.
Genome position (GRCh38, 1-based): chr14:64,441,413, T>C. VCF-style: chr14-64441413-T-C. GRCh37 (hg19) VCF-style: chr14-64908131-T-C.
Other names: c.1844T>C (NM_005956.3); c.1844T>C, p.Met615Thr (NM_001364837.1); short protein forms M615T.
Identifiers: ClinVar variation 1949828 (VCV001949828.4), dbSNP rs200373818, ClinGen allele CA261847590.
Genomic context (GRCh38, chr14:64,441,413, plus strand): 5'-GGGAGTTGATGCTGCACACATTTGTTTTGTAGGGGGTGAGTGGTGCACTGACAGTGCTTA[T>C]GAAGGACGCAATCAAGCCCAATCTCATGCAGACACTGGAGGTGAGCAGAGTGACTCCTGC-3'
Protein context (NP_005947.3, residues 605-625): LGVSGALTVL[Met615Thr]KDAIKPNLMQ

ClinVar aggregate classification (germline): Uncertain significance. Review status: criteria provided, multiple submitters, no conflicts (2 of 4 stars). 3 submissions from 3 submitters: Uncertain significance (3). Last evaluated 2022-10-13.

Conditions:
MTHFD1-related disorder. Also called: MTHFD1-related condition.

Allele frequency attached by ClinVar (database versions not stated): gnomAD 0.00001; TOPMed 0.00001; gnomAD exomes 0.00002; 1000 Genomes Project 30x 0.00016; 1000 Genomes Project 0.00020.
gnomAD v4.1: 31 of 1,614,120 alleles (0.0019%); highest among the groups gnomAD compares: Non-Finnish European, 0.0024%; no homozygotes.

Submissions (3):

PreventionGenetics, part of Exact Sciences
Classification: Uncertain significance for MTHFD1-related condition. Last evaluated: 2022-10-13. Review status: criteria provided, single submitter. Criteria: ACMG Guidelines, 2015. Collection method: clinical testing. Allele origin: germline.
Comment: The MTHFD1 c.1844T>C variant is predicted to result in the amino acid substitution p.Met615Thr. To our knowledge, this variant has not been reported in the literature. This variant is reported in 0.0046% of alleles in individuals of European (Finnish) descent in gnomAD. At this time, the clinical significance of this variant is uncertain due to the absence of conclusive functional and genetic evidence.

Labcorp Genetics (formerly Invitae), Labcorp
Classification: Uncertain significance. Last evaluated: 2022-07-03. Review status: criteria provided, single submitter. Criteria: Invitae Variant Classification Sherloc (09022015). Collection method: clinical testing. Allele origin: germline.
Comment: This sequence change replaces methionine, which is neutral and non-polar, with threonine, which is neutral and polar, at codon 615 of the MTHFD1 protein (p.Met615Thr). This variant is present in population databases (rs200373818, gnomAD 0.004%). This variant has not been reported in the literature in individuals affected with MTHFD1-related conditions. Algorithms developed to predict the effect of missense changes on protein structure and function are either unavailable or do not agree on the potential impact of this missense change (SIFT: "Deleterious"; PolyPhen-2: "Benign"; Align-GVGD: "Class C0"). In summary, the available evidence is currently insufficient to determine the role of this variant in disease. Therefore, it has been classified as a Variant of Uncertain Significance.

Blueprint Genetics
Classification: Uncertain significance. Last evaluated: 2020-09-01. Review status: criteria provided, single submitter. Criteria: ACMG Guidelines, 2015. Collection method: clinical testing. Allele origin: germline.